The following is an entry in ClinVar:

NM_001127898.4(CLCN5):c.210C>A (p.Ile70=)

Gene: CLCN5 (Cl-/H+ antiporter 5; plus strand). Cytogenetic location: Xp11.23.
Variant type: single nucleotide variant.
Coding change: c.210C>A on transcript NM_001127898.4 (MANE Select); coding-DNA position 210, C replaced by A.
Protein change: p.Ile70=; no amino-acid change (isoleucine 70 retained).
Molecular consequence: synonymous variant. On other transcripts: 5 prime UTR variant (1), non-coding transcript variant (1).
Genome position (GRCh38, 1-based): chrX:50,069,925, C>A. VCF-style: chrX-50069925-C-A. GRCh37 (hg19) VCF-style: chrX-49834580-C-A.
Other names: c.-1C>A (NM_000084.5); c.210C>A, p.Ile70= (NM_001127899.4); c.60C>A, p.Ile20= (NM_001282163.2); c.222C>A, p.Ile74= (NM_001440756.1, NM_001440757.1).
Identifiers: ClinVar variation 4996542 (VCV004996542.1).

ClinVar aggregate classification (germline): Likely benign (1 of 4 stars; one submission).

Conditions:
CLCN5-related disorder. Also called: CLCN5-related condition.

Submission:

PreventionGenetics, part of Exact Sciences
Classification: Likely benign for CLCN5-related condition. Last evaluated: 2026-02-03. Review status: criteria provided, single submitter. Criteria: ACMG Guidelines, 2015. Collection method: clinical testing. Allele origin: germline.
Comment: This variant is classified as likely benign based on ACMG/AMP sequence variant interpretation guidelines (Richards et al. 2015 PMID: 25741868, with internal and published modifications).